The following is an entry in ClinVar:

ClinVar aggregate classification (germline): Uncertain significance. Review status: criteria provided, multiple submitters, no conflicts (2 of 4 stars). 2 submissions from 2 submitters: Uncertain significance (2). Last evaluated 2024-07-17.

Conditions:
Inborn genetic diseases. Identifiers: MedGen C0950123, MeSH D030342.

Allele frequency attached by ClinVar (database versions not stated): gnomAD exomes 0.00001; ExAC 0.00002; gnomAD 0.00007 and 0.00008; TOPMed 0.00014.
gnomAD v4.1: 18 of 1,613,194 alleles (0.0011%); highest among the groups gnomAD compares: Admixed American, 0.023%; no homozygotes.

Submissions (2):

Ambry Genetics
Classification: Uncertain significance for Inborn genetic diseases. Last evaluated: 2024-07-17. Review status: criteria provided, single submitter. Criteria: Ambry Variant Classification Scheme 2023. Collection method: clinical testing. Allele origin: germline.

Labcorp Genetics (formerly Invitae), Labcorp
Classification: Uncertain significance. Last evaluated: 2022-09-07. Review status: criteria provided, single submitter. Criteria: Invitae Variant Classification Sherloc (09022015). Collection method: clinical testing. Allele origin: germline.
Comment: This sequence change replaces glutamine, which is neutral and polar, with arginine, which is basic and polar, at codon 1170 of the C2CD3 protein (p.Gln1170Arg). This variant is present in population databases (rs768518035, gnomAD 0.003%). This variant has not been reported in the literature in individuals affected with C2CD3-related conditions. ClinVar contains an entry for this variant (Variation ID: 1429284). Algorithms developed to predict the effect of missense changes on protein structure and function (SIFT, PolyPhen-2, Align-GVGD) all suggest that this variant is likely to be tolerated. In summary, the available evidence is currently insufficient to determine the role of this variant in disease. Therefore, it has been classified as a Variant of Uncertain Significance.

NM_001286577.2(C2CD3):c.3509A>G (p.Gln1170Arg)

Gene: C2CD3 (C2 domain containing 3 centriole elongation regulator; minus strand). Cytogenetic location: 11q13.4.
Variant type: single nucleotide variant.
Coding change: c.3509A>G on transcript NM_001286577.2 (MANE Select); coding-DNA position 3509, A replaced by G.
Protein change: p.Gln1170Arg; replaces glutamine 1170 with arginine.
Molecular consequence: missense variant.
Genome position (GRCh38, 1-based): chr11:74,092,424, T>C on the plus strand (A>G on the coding strand, the complement: C2CD3 is on the minus strand). VCF-style: chr11-74092424-T-C. GRCh37 (hg19) VCF-style: chr11-73803469-T-C.
Other names: c.3509A>G, p.Gln1170Arg (NM_015531.6); c.3509A>G (NM_015531.4); short protein forms Q1170R.
Identifiers: ClinVar variation 1429284 (VCV001429284.6), dbSNP rs768518035, ClinGen allele CA6182377.